The following is an entry in ClinVar:

NM_000355.4(TCN2):c.753+1G>A

Gene: TCN2 (transcobalamin 2; plus strand). Cytogenetic location: 22q12.2.
Variant type: single nucleotide variant.
Coding change: c.753+1G>A on transcript NM_000355.4 (MANE Select); the canonical splice donor site of the intron after coding-DNA position 753, G replaced by A.
Molecular consequence: splice donor variant.
Genome position (GRCh38, 1-based): chr22:30,615,474, G>A. VCF-style: chr22-30615474-G-A. GRCh37 (hg19) VCF-style: chr22-31011461-G-A.
Other names: c.672+1G>A (NM_001184726.2).
Identifiers: ClinVar variation 5000547 (VCV005000547.1).
Genomic context (GRCh38, chr22:30,615,474, plus strand): 5'-AAGGCCCAGACCCCCGAGGGCCACTTTGGGAATGTCTACAGCACCCCATTGGCATTACAG[G>A]TGGGAAAGAGACCCTGGAGCCATGGCCACCCTGGGGAACAGTCAGGGGTGGAGTGGTCAG-3'

ClinVar aggregate classification (germline): Likely pathogenic (1 of 4 stars; one submission).

Conditions:
TCN2-related disorder. Also called: TCN2-related condition.

Submission:

PreventionGenetics, part of Exact Sciences
Classification: Likely pathogenic for TCN2-related condition. Last evaluated: 2024-11-23. Review status: criteria provided, single submitter. Criteria: ACMG Guidelines, 2015. Collection method: clinical testing. Allele origin: germline.
Comment: The TCN2 c.753+1G>A variant is predicted to disrupt the GT donor site and interfere with normal splicing. To our knowledge, this variant has not been reported in the literature or in a large population database (gnomAD), indicating this variant is rare. Variants that disrupt the consensus splice donor site in TCN2 are expected to be pathogenic. This variant is interpreted as likely pathogenic.